The following is an entry in ClinVar:

NM_000051.4(ATM):c.2982C>T (p.Val994=)

Gene: ATM (ATM serine/threonine kinase; plus strand). Cytogenetic location: 11q22.3.
Variant type: single nucleotide variant.
Coding change: c.2982C>T on transcript NM_000051.4 (MANE Select); coding-DNA position 2982, C replaced by T.
Protein change: p.Val994=; no amino-acid change (valine 994 retained).
Molecular consequence: synonymous variant.
Genome position (GRCh38, 1-based): chr11:108,271,311, C>T. VCF-style: chr11-108271311-C-T. GRCh37 (hg19) VCF-style: chr11-108142038-C-T.
Other names: c.2982C>T, p.Val994= (NM_001351834.2).
Identifiers: ClinVar variation 524430 (VCV000524430.9), dbSNP rs200541844, ClinGen allele CA228409748.

ClinVar aggregate classification (germline): Benign/Likely benign. Review status: criteria provided, multiple submitters, no conflicts (2 of 4 stars). 2 submissions from 2 submitters: Benign (1); Likely benign (1). Last evaluated 2024-05-13.

Conditions:
Ataxia-telangiectasia syndrome (AT). Also called: ATAXIA-TELANGIECTASIA, COMPLEMENTATION GROUP A; ATAXIA-TELANGIECTASIA, FRESNO VARIANT; Ataxia-telangiectasia; Ataxia-telangiectasia, complementation group D; AT, COMPLEMENTATION GROUP C; Ataxia-telangiectasia, complementation group E. Identifiers: Orphanet 100, MedGen C0004135, MONDO:0008840, OMIM 208900.
Familial cancer of breast. Also called: hereditary breast carcinoma; BREAST CANCER, FAMILIAL; Hereditary breast cancer. Identifiers: Orphanet 227535, MedGen C0346153, MONDO:0016419, OMIM 114480. Disease mechanism: loss of function.

Allele frequency attached by ClinVar (database versions not stated): gnomAD 0.00001; 1000 Genomes Project 30x 0.00016; 1000 Genomes Project 0.00020.
gnomAD v4.1: 2 of 1,613,514 alleles (0.00012%); highest among the groups gnomAD compares: East Asian, 0.0022%; no homozygotes.

Submissions (2):

Myriad Genetics, Inc.
Classification: Benign for Familial cancer of breast. Last evaluated: 2024-05-13. Review status: criteria provided, single submitter. Criteria: Myriad Autosomal Dominant, Autosomal Recessive and X-Linked Classification Criteria (2023). Collection method: clinical testing. Allele origin: unknown.
Comment: This variant is considered benign. This variant is a silent/synonymous amino acid change and it is not expected to impact splicing.

Labcorp Genetics (formerly Invitae), Labcorp
Classification: Likely benign for Ataxia-telangiectasia syndrome. Last evaluated: 2017-08-03. Review status: criteria provided, single submitter. Criteria: Invitae Variant Classification Sherloc (09022015). Collection method: clinical testing. Allele origin: germline.